The following is an entry in ClinVar:

ClinVar aggregate classification (germline): Uncertain significance (1 of 4 stars; one submission).

Allele frequency attached by ClinVar (database versions not stated): gnomAD exomes below 0.00001.
gnomAD v4.1: 6 of 1,551,264 alleles (0.00039%); highest among the groups gnomAD compares: Middle Eastern, 0.017%; no homozygotes.

Submission:

Labcorp Genetics (formerly Invitae), Labcorp
Classification: Uncertain significance. Last evaluated: 2021-12-20. Review status: criteria provided, single submitter. Criteria: Invitae Variant Classification Sherloc (09022015). Collection method: clinical testing. Allele origin: germline.
Comment: This sequence change replaces cysteine, which is neutral and slightly polar, with arginine, which is basic and polar, at codon 1414 of the EYS protein (p.Cys1414Arg). This variant is not present in population databases (gnomAD no frequency). This variant has not been reported in the literature in individuals affected with EYS-related conditions. Algorithms developed to predict the effect of missense changes on protein structure and function (SIFT, PolyPhen-2, Align-GVGD) all suggest that this variant is likely to be tolerated. In summary, the available evidence is currently insufficient to determine the role of this variant in disease. Therefore, it has been classified as a Variant of Uncertain Significance.

NM_001142800.2(EYS):c.4240T>C (p.Cys1414Arg)

Gene: EYS (eyes shut homolog; minus strand). Cytogenetic location: 6q12.
Variant type: single nucleotide variant.
Coding change: c.4240T>C on transcript NM_001142800.2 (MANE Select); coding-DNA position 4240, T replaced by C.
Protein change: p.Cys1414Arg; replaces cysteine 1414 with arginine.
Molecular consequence: missense variant.
Genome position (GRCh38, 1-based): chr6:64,591,627, A>G on the plus strand (T>C on the coding strand, the complement: EYS is on the minus strand). VCF-style: chr6-64591627-A-G. GRCh37 (hg19) VCF-style: chr6-65301520-A-G.
Other names: c.4240T>C, p.Cys1414Arg (NM_001292009.2); short protein forms C1414R.
Identifiers: ClinVar variation 2417399 (VCV002417399.3), dbSNP rs1381742131, ClinGen allele CA364783739.